The following is an entry in ClinVar:

NM_033026.6(PCLO):c.4639C>A (p.Gln1547Lys)

Gene: PCLO (piccolo presynaptic cytomatrix protein; minus strand). Cytogenetic location: 7q21.11.
Variant type: single nucleotide variant.
Coding change: c.4639C>A on transcript NM_033026.6 (MANE Select); coding-DNA position 4639, C replaced by A.
Protein change: p.Gln1547Lys; replaces glutamine 1547 with lysine.
Molecular consequence: missense variant.
Genome position (GRCh38, 1-based): chr7:82,956,314, G>T on the plus strand (C>A on the coding strand, the complement: PCLO is on the minus strand). VCF-style: chr7-82956314-G-T. GRCh37 (hg19) VCF-style: chr7-82585630-G-T.
Other names: c.4639C>A, p.Gln1547Lys (NM_014510.3); short protein forms Q1547K.
Identifiers: ClinVar variation 1487159 (VCV001487159.3), dbSNP rs370353103, ClinGen allele CA4320786.
Genomic context (GRCh38, chr7:82,956,314, plus strand): 5'-CATCAGCACTCATTTCTATGATTTGTTTTCGAATGAAGTCCTCCTCTTCCCCTGATCCTT[G>T]GCTGTCTTCCTGTTTATACTCATCACTGCTTGATGAGCCAACACTAGTTCTTCGTTTTCT-3'
Protein context (NP_149015.2, residues 1537-1557): SSDEYKQEDS[Gln1547Lys]GSGEEEDFIR

ClinVar aggregate classification (germline): Uncertain significance (1 of 4 stars; one submission).

Allele frequency attached by ClinVar (database versions not stated): gnomAD exomes below 0.00001; ExAC 0.00001; gnomAD 0.00001; TOPMed 0.00002; ESP Exome Variant Server 0.00008.
gnomAD v4.1: 30 of 1,612,706 alleles (0.0019%); highest among the groups gnomAD compares: Non-Finnish European, 0.0025%; no homozygotes.

Submission:

Labcorp Genetics (formerly Invitae), Labcorp
Classification: Uncertain significance. Last evaluated: 2022-07-05. Review status: criteria provided, single submitter. Criteria: Invitae Variant Classification Sherloc (09022015). Collection method: clinical testing. Allele origin: germline.
Comment: This sequence change replaces glutamine, which is neutral and polar, with lysine, which is basic and polar, at codon 1547 of the PCLO protein (p.Gln1547Lys). This variant is present in population databases (rs370353103, gnomAD 0.0009%). This variant has not been reported in the literature in individuals affected with PCLO-related conditions. ClinVar contains an entry for this variant (Variation ID: 1487159). Algorithms developed to predict the effect of missense changes on protein structure and function are either unavailable or do not agree on the potential impact of this missense change (SIFT: "Tolerated"; PolyPhen-2: "Not Available"; Align-GVGD: "Class C0"). In summary, the available evidence is currently insufficient to determine the role of this variant in disease. Therefore, it has been classified as a Variant of Uncertain Significance.